The following is an entry in ClinVar:

NM_178335.3(CCDC50):c.1195C>A (p.Arg399=)

Gene: CCDC50 (coiled-coil domain containing 50; plus strand). Cytogenetic location: 3q28.
Variant type: single nucleotide variant.
Coding change: c.1195C>A on transcript NM_178335.3 (MANE Select); coding-DNA position 1195, C replaced by A.
Protein change: p.Arg399=; no amino-acid change (arginine 399 retained).
Molecular consequence: synonymous variant.
Genome position (GRCh38, 1-based): chr3:191,380,885, C>A. VCF-style: chr3-191380885-C-A. GRCh37 (hg19) VCF-style: chr3-191098674-C-A.
Other names: c.667C>A, p.Arg223= (NM_174908.4).
Identifiers: ClinVar variation 3907613 (VCV003907613.1).

ClinVar aggregate classification (germline): Likely benign (1 of 4 stars; one submission).

gnomAD v4.1: 2 of 1,612,688 alleles (0.00012%); highest among the groups gnomAD compares: Admixed American, 0.0033%; no homozygotes.

Submission:

Women's Health and Genetics/Laboratory Corporation of America, LabCorp
Classification: Likely benign. Last evaluated: 2025-06-20. Review status: criteria provided, single submitter. Criteria: LabCorp Variant Classification Summary - May 2015. Collection method: clinical testing. Allele origin: germline.
Comment: Variant summary: CCDC50 c.1195C>A alters a conserved nucleotide resulting in a synonymous change. Consensus agreement among computation tools predict no significant impact on normal splicing. However, these predictions have yet to be confirmed by functional studies. The variant allele was found at a frequency of 4e-06 in 250110 control chromosomes. The available data on variant occurrences in the general population are insufficient to allow any conclusion about variant significance. To our knowledge, no occurrence of c.1195C>A in individuals affected with Autosomal Dominant Nonsyndromic Hearing Loss 44 and no experimental evidence demonstrating its impact on protein function have been reported. No submitters have cited clinical-significance assessments for this variant to ClinVar. Based on the evidence outlined above, the variant was classified as likely benign.